The following is an entry in ClinVar:

NM_206933.4(USH2A):c.9676C>T (p.Arg3226Ter)

Gene: USH2A (usherin; minus strand). Cytogenetic location: 1q41.
Variant type: single nucleotide variant.
Coding change: c.9676C>T on transcript NM_206933.4 (MANE Select); coding-DNA position 9676, C replaced by T.
Protein change: p.Arg3226Ter; replaces arginine 3226 with a stop codon.
Molecular consequence: nonsense.
Genome position (GRCh38, 1-based): chr1:215,813,799, G>A on the plus strand (C>T on the coding strand, the complement: USH2A is on the minus strand). VCF-style: chr1-215813799-G-A. GRCh37 (hg19) VCF-style: chr1-215987141-G-A.
Other names: short protein forms R3226*.
Identifiers: ClinVar variation 663131 (VCV000663131.11), dbSNP rs760858249, ClinGen allele CA1394243.

ClinVar aggregate classification (germline): Pathogenic. Review status: criteria provided, multiple submitters, no conflicts (2 of 4 stars). 5 submissions from 5 submitters: Pathogenic (4). 1 of the submissions does not count toward it. Last evaluated 2026-03-13.

Conditions:
Usher syndrome type 2A. Also called: USHER SYNDROME, TYPE IIA; RETINAL DISEASE IN USHER SYNDROME TYPE IIA, MODIFIER OF. Identifiers: Orphanet 231178, Orphanet 886, MedGen C1848634, MONDO:0010169, OMIM 276901.
Retinitis pigmentosa 39 (RP39). Identifiers: Orphanet 791, MedGen C3151138, MONDO:0013436, OMIM 613809.

Allele frequency attached by ClinVar (database versions not stated): ExAC 0.00001; gnomAD exomes 0.00001.
gnomAD v4.1: 9 of 1,613,752 alleles (0.00056%); highest among the groups gnomAD compares: African/African-American, 0.0013%; no homozygotes.

Submissions (5):

GeneDx
Classification: Pathogenic. Last evaluated: 2026-03-13. Review status: criteria provided, single submitter. Criteria: GeneDx Variant Classification Process June 2021. Collection method: clinical testing. Allele origin: germline.
Comment: Not observed at significant frequency in large population cohorts (gnomAD); Nonsense variant predicted to result in protein truncation or nonsense mediated decay in a gene for which loss of function is a known mechanism of disease; This variant is associated with the following publications: (PMID: 28944237, 28894305, 25268133, 32188678, 33124170, 32675063, 31964843, 36460718, 36110214, 36284460, 33576794, 33297549, 34781295, 38602021)

Labcorp Genetics (formerly Invitae), Labcorp
Classification: Pathogenic. Last evaluated: 2025-09-02. Review status: criteria provided, single submitter. Criteria: Invitae Variant Classification Sherloc (09022015). Collection method: clinical testing. Allele origin: germline.
Comment: This sequence change creates a premature translational stop signal (p.Arg3226*) in the USH2A gene. It is expected to result in an absent or disrupted protein product. Loss-of-function variants in USH2A are known to be pathogenic (PMID: 10729113, 10909849, 20507924, 25649381). This variant is present in population databases (rs760858249, gnomAD 0.007%). This premature translational stop signal has been observed in individuals with retinitis pigmentosa or clinical features of Usher syndrome (PMID: 25268133, 28894305, 28944237). ClinVar contains an entry for this variant (Variation ID: 663131). For these reasons, this variant has been classified as Pathogenic.

Baylor Genetics
Classification: Pathogenic for Retinitis pigmentosa 39. Last evaluated: 2023-11-21. Review status: criteria provided, single submitter. Criteria: ACMG Guidelines, 2015. Collection method: clinical testing. Allele origin: unknown.

Kariminejad - Najmabadi Pathology & Genetics Center
Classification: Pathogenic for Usher syndrome type 2A. Review status: criteria provided, single submitter. Criteria: ACMG Guidelines, 2015. Collection method: clinical testing. Allele origin: germline. Affected: no.

Natera, Inc.
Classification: Pathogenic for Usher syndrome type 2A. Last evaluated: 2020-12-18. Review status: no assertion criteria provided. Collection method: clinical testing. Allele origin: germline. Not counted in ClinVar's aggregate classification.

Literature cited by the submitters: PubMed 10729113 (cited by Labcorp Genetics (formerly Invitae), Labcorp); PubMed 10909849 (cited by Labcorp Genetics (formerly Invitae), Labcorp); PubMed 20507924 (cited by Labcorp Genetics (formerly Invitae), Labcorp); PubMed 25649381 (cited by Labcorp Genetics (formerly Invitae), Labcorp); PubMed 25268133 (cited by Labcorp Genetics (formerly Invitae), Labcorp); PubMed 28894305 (cited by Labcorp Genetics (formerly Invitae), Labcorp); PubMed 28944237 (cited by Labcorp Genetics (formerly Invitae), Labcorp).